The following is an entry in ClinVar:

ClinVar aggregate classification (germline): Uncertain significance (1 of 4 stars; one submission).

Submission:

GeneDx
Classification: Uncertain significance. Last evaluated: 2019-10-18. Review status: criteria provided, single submitter. Criteria: GeneDx Variant Classification Process June 2021. Collection method: clinical testing. Allele origin: germline. Affected: yes.
Comment: Not observed in large population cohorts (Lek et al., 2016); In silico analysis, which includes protein predictors and evolutionary conservation, supports a deleterious effect; Has not been previously published as pathogenic or benign to our knowledge

NM_014795.4(ZEB2):c.860G>A (p.Cys287Tyr)

Gene: ZEB2 (zinc finger E-box binding homeobox 2; minus strand). Cytogenetic location: 2q22.3.
Variant type: single nucleotide variant.
Coding change: c.860G>A on transcript NM_014795.4 (MANE Select); coding-DNA position 860, G replaced by A.
Protein change: p.Cys287Tyr; replaces cysteine 287 with tyrosine.
Molecular consequence: missense variant.
Genome position (GRCh38, 1-based): chr2:144,401,255, C>T on the plus strand (G>A on the coding strand, the complement: ZEB2 is on the minus strand). VCF-style: chr2-144401255-C-T. GRCh37 (hg19) VCF-style: chr2-145158822-C-T.
Other names: c.788G>A, p.Cys263Tyr (NM_001171653.2); short protein forms C263Y, C287Y.
Identifiers: ClinVar variation 1209389 (VCV001209389.3), dbSNP rs2149877974, ClinGen allele CA348713575.
Genomic context (GRCh38, chr2:144,401,255, plus strand): 5'-TCACCACTGTGAATTCGCAGGTGTTCTTTCAGATGGTGTTTATATTTGAAGGCCTTGCCA[C>T]ACTCTGTGCATTTGAACTTGCGATTACCTGCTCCTTGGGTTAGCATTTGGTGCTATAAAA-3'
Protein context (NP_055610.1, residues 277-297): AGNRKFKCTE[Cys287Tyr]GKAFKYKHHL